The following is an entry in ClinVar:

NM_000152.5(GAA):c.378G>A (p.Trp126Ter)

Gene: GAA (alpha glucosidase; plus strand). Cytogenetic location: 17q25.3.
Variant type: single nucleotide variant.
Coding change: c.378G>A on transcript NM_000152.5 (MANE Select); coding-DNA position 378, G replaced by A.
Protein change: p.Trp126Ter; replaces tryptophan 126 with a stop codon.
Molecular consequence: nonsense.
Genome position (GRCh38, 1-based): chr17:80,104,964, G>A. VCF-style: chr17-80104964-G-A. GRCh37 (hg19) VCF-style: chr17-78078763-G-A.
Other names: NM_000152.5(GAA):c.378G>A; p.Trp126Ter; c.378G>A, p.Trp126Ter (NM_001079803.3, NM_001079804.3); short protein forms W126*.
Identifiers: ClinVar variation 938008 (VCV000938008.12), dbSNP rs2039041225, ClinGen allele CA401360961.

ClinVar aggregate classification (germline): Pathogenic. Review status: reviewed by expert panel (3 of 4 stars). 4 submissions from 4 submitters: Pathogenic (1). 3 of the submissions do not count toward it. Last evaluated 2025-12-02.

Conditions:
Glycogen storage disease, type II (IOPD). Also called: Glycogen storage disease type 2; Acid maltase deficiency disease; Aglucosidase alfa; Deficiency of alpha-glucosidase; Deficiency of lysosomal alpha-glucosidase; Glucosidase acid-1,4-alpha deficiency. Identifiers: Orphanet 365, MedGen C0017921, MONDO:0009290, OMIM 232300.

Submissions (4):

ClinGen Lysosomal Storage Disorder Variant Curation Expert Panel
Classification: Pathogenic for Glycogen storage disease, type II. Last evaluated: 2025-12-02. Review status: reviewed by expert panel. Criteria: clingen_lsd_acmg_specifications_v2-1. Collection method: curation. Allele origin: germline. Inheritance: Autosomal recessive inheritance.
Comment: The NM_000152.5:c.378G>A (p.Trp126Ter) variant in GAA is a nonsense variant predicted to cause a premature stop codon in biologically-relevant-exon 2 (GAA has 20 exons), leading to nonsense mediated decay in a gene in which loss-of-function is an established disease mechanism (PVS1). This individual was compound heterozygous for the variant and c.2237G>A (p.Trp746Ter) (phase unreported), which is classified as pathogenic by the Lysosomal Diseases VCEP (PM3_supporting). This variant This variant is absent in gnomAD v4.1.0 (PM2_Supporting). There is a ClinVar entry for this variant (Variation ID: 938008, 2 star review status) with 2 submitters classifying the variant as pathogenic. In summary, this variant meets the criteria to be classified as pathogenic for Pompe disease based on the ACMG/AMP criteria applied, as specified by the ClinGen Lysosomal Diseases Variant Curation Expert Panel (Specifications Version 2.0): (PVS1, PP4_moderate, PS3_supporting, PM2_supporting. (Classification approved by the ClinGen Lysosomal Diseases Variant Curation Expert Panel on December 2, 2025)

Genomenon, Inc
Classification: Pathogenic for Glycogen storage disease, type II. Last evaluated: 2026-07-01. Review status: criteria provided, single submitter. Criteria: Genomenon Sequence Variant Interpretation Standards - Updated. Collection method: curation. Allele origin: germline. Affected: yes. Not counted in ClinVar's aggregate classification.
Comment: GAA p.Trp126Ter (c.378G>A) is a nonsense variant that introduces a premature stop codon at amino acid position 126 and is predicted to result in a truncated or absent protein product. This variant has been observed in at least one proband with a GAA-related disorder (PMID:24269976). It is absent or not present at a significant frequency in gnomAD. In conclusion, we classify GAA p.Trp126Ter (c.377G>A) as a pathogenic variant.

Baylor Genetics
Classification: Pathogenic for Glycogen storage disease, type II. Last evaluated: 2023-09-04. Review status: criteria provided, single submitter. Criteria: ACMG Guidelines, 2015. Collection method: clinical testing. Allele origin: unknown. Not counted in ClinVar's aggregate classification.

Labcorp Genetics (formerly Invitae), Labcorp
Classification: Pathogenic for Glycogen storage disease, type II. Last evaluated: 2022-06-22. Review status: criteria provided, single submitter. Criteria: Invitae Variant Classification Sherloc (09022015). Collection method: clinical testing. Allele origin: germline. Not counted in ClinVar's aggregate classification.
Comment: This sequence change creates a premature translational stop signal (p.Trp126*) in the GAA gene. It is expected to result in an absent or disrupted protein product. Loss-of-function variants in GAA are known to be pathogenic (PMID: 18425781, 22252923). This variant is not present in population databases (gnomAD no frequency). This premature translational stop signal has been observed in individual(s) with Pompe disease (PMID: 24269976). ClinVar contains an entry for this variant (Variation ID: 938008). Algorithms developed to predict the effect of sequence changes on RNA splicing suggest that this variant may create or strengthen a splice site. For these reasons, this variant has been classified as Pathogenic.

Literature cited by the submitters: PubMed 24269976 (cited by Genomenon, Inc and Labcorp Genetics (formerly Invitae), Labcorp); PubMed 18425781 (cited by Labcorp Genetics (formerly Invitae), Labcorp); PubMed 22252923 (cited by Labcorp Genetics (formerly Invitae), Labcorp).